The following is an entry in ClinVar:

NM_001014342.3(FLG2):c.6755_6761del (p.Gly2252fs)

Genes: CCDST (cervical cancer associated DHX9 suppressive transcript; plus strand), FLG2 (filaggrin 2; minus strand). Cytogenetic location: 1q21.3.
Variant type: Deletion.
Coding change: c.6755_6761del on transcript NM_001014342.3 (MANE Select); coding-DNA positions 6755 to 6761, 7 bases deleted (GATCTGG; older notation c.6755_6761delGATCTGG).
Protein change: p.Gly2252fs; shifts the reading frame from glycine 2252.
Molecular consequence: frameshift variant.
Genome position (GRCh38, 1-based): chr1:152,351,025-152,351,031, CCAGATC deleted on the plus strand (GATCTGG on the coding strand, the reverse complement: FLG2 is on the minus strand); deleting any 7 consecutive bases within chr1:152,351,025-152,351,033 gives the same sequence; the c. name uses the placement nearest the transcript's 3' end. VCF-style (leftmost placement, unchanged base first): chr1-152351024-GCCAGATC-G. GRCh37 (hg19) VCF-style: chr1-152323500-GCCAGATC-G.
Other names: short protein forms G2252fs.
Identifiers: ClinVar variation 4057187 (VCV004057187.1).

ClinVar aggregate classification (germline): Uncertain significance (1 of 4 stars; one submission).

Submission:

GeneDx
Classification: Uncertain significance. Last evaluated: 2025-01-14. Review status: criteria provided, single submitter. Criteria: GeneDx Variant Classification Process June 2021. Collection method: clinical testing. Allele origin: germline. Affected: yes.
Comment: Frameshift variant predicted to result in abnormal protein length as the last 140 amino acids are replaced with 147 different amino acids; Has not been previously published as pathogenic or benign to our knowledge